The following is an entry in ClinVar:

ClinVar aggregate classification (germline): Uncertain significance. Review status: criteria provided, multiple submitters, no conflicts (2 of 4 stars). 2 submissions from 2 submitters: Uncertain significance (2). Last evaluated 2025-08-08.

Conditions:
Very long chain acyl-CoA dehydrogenase deficiency (ACADVLD). Also called: VLCAD Deficiency; Very Long-Chain Acyl-Coenzyme A Dehydrogenase Deficiency. Identifiers: Orphanet 26793, MedGen C3887523, MONDO:0008723, OMIM 201475.

Submissions (2):

Myriad Genetics, Inc.
Classification: Uncertain significance for Very long chain acyl-CoA dehydrogenase deficiency. Last evaluated: 2025-08-08. Review status: criteria provided, single submitter. Criteria: Myriad Autosomal Dominant, Autosomal Recessive and X-Linked Classification Criteria (2023). Collection method: clinical testing. Allele origin: unknown.
Comment: NM_000018.3(ACADVL):c.920C>G(T307R) is a missense variant classified as a variant of uncertain significance in the context of very-long-chain acyl-CoA dehydrogenase deficiency. T307R has not been observed in cases with relevant disease. Relevant functional assessments of this variant are not available in the literature. T307R has not been observed in referenced population frequency databases. In summary, there is insufficient evidence to classify NM_000018.3(ACADVL):c.920C>G(T307R) as pathogenic or benign. Please note: this variant was assessed in the context of healthy population screening.

Wong Mito Lab, Molecular and Human Genetics, Baylor College of Medicine
Classification: Uncertain significance for Very long chain acyl-CoA dehydrogenase deficiency. Last evaluated: 2019-11-01. Review status: criteria provided, single submitter. Criteria: ACMG Guidelines, 2015. Collection method: clinical testing. Allele origin: germline.
Comment: The NM_000018.3:c.920C>G (NP_000009.1:p.Thr307Arg) [GRCH38: NC_000017.11:g.7222708C>G] variant in ACADVL gene is interpretated to be Uncertain Significance based on ACMG guidelines (PMID: 25741868). This variant has been reported. This variant meets the following evidence codes reported in the ACMG guidelines: PP3

NM_000018.4(ACADVL):c.920C>G (p.Thr307Arg)

Gene: ACADVL (acyl-CoA dehydrogenase very long chain; plus strand). Cytogenetic location: 17p13.1.
Variant type: single nucleotide variant.
Coding change: c.920C>G on transcript NM_000018.4 (MANE Select); coding-DNA position 920, C replaced by G.
Protein change: p.Thr307Arg; replaces threonine 307 with arginine.
Molecular consequence: missense variant.
Genome position (GRCh38, 1-based): chr17:7,222,708, C>G. VCF-style: chr17-7222708-C-G. GRCh37 (hg19) VCF-style: chr17-7126027-C-G.
Other names: c.854C>G, p.Thr285Arg (NM_001033859.3); c.989C>G, p.Thr330Arg (NM_001270447.2); c.692C>G, p.Thr231Arg (NM_001270448.2); short protein forms T231R, T307R, T285R, T330R.
Identifiers: ClinVar variation 932761 (VCV000932761.3), dbSNP rs866743364, ClinGen allele CA287437528.
Genomic context (GRCh38, chr17:7,222,708, plus strand): 5'-CCACACTGCCCTGACACAGTGGGCCCCCTGAGAAGAAGATGGGCATCAAGGCTTCAAACA[C>G]AGCAGAGGTGTTCTTTGATGGAGTACGGGTGCCATCGGAGAACGTGCTGGGTGAGGTTGG-3'
Protein context (NP_000009.1, residues 297-317): EKKMGIKASN[Thr307Arg]AEVFFDGVRV